The following is an entry in ClinVar:

ClinVar aggregate classification (germline): Pathogenic (1 of 4 stars; one submission).

Conditions:
Familial thoracic aortic aneurysm and aortic dissection (TAAD). Also called: Thoracic aortic aneurysms and dissections. Identifiers: Orphanet 91387, MedGen C4707243, MONDO:0019625.
Marfan syndrome (MFS). Also called: Marfan syndrome, classic; Marfan syndrome type 1; Marfan's syndrome; FBN1-Related Marfan Syndrome; MARFAN SYNDROME, TYPE I. Identifiers: Orphanet 284963, Orphanet 558, MedGen C0024796, MONDO:0007947, OMIM 154700.

Submission:

Labcorp Genetics (formerly Invitae), Labcorp
Classification: Pathogenic for Marfan syndrome; Familial thoracic aortic aneurysm and aortic dissection. Last evaluated: 2022-07-21. Review status: criteria provided, single submitter. Criteria: Invitae Variant Classification Sherloc (09022015). Collection method: clinical testing. Allele origin: germline.
Comment: For these reasons, this variant has been classified as Pathogenic. This sequence change creates a premature translational stop signal (p.Ala252Glyfs*13) in the FBN1 gene. It is expected to result in an absent or disrupted protein product. Loss-of-function variants in FBN1 are known to be pathogenic (PMID: 17657824, 19293843). This variant is not present in population databases (gnomAD no frequency). This variant has not been reported in the literature in individuals affected with FBN1-related conditions. ClinVar contains an entry for this variant (Variation ID: 935317).

Literature cited by the submitters: PubMed 17657824; PubMed 19293843.

NM_000138.5(FBN1):c.754dup (p.Ala252fs)

Gene: FBN1 (fibrillin 1; minus strand). Cytogenetic location: 15q21.1.
Variant type: Duplication.
Coding change: c.754dup on transcript NM_000138.5 (MANE Select); coding-DNA position 754, one base duplicated (G; older notation c.754dupG).
Protein change: p.Ala252fs; shifts the reading frame from alanine 252.
Molecular consequence: frameshift variant.
Genome position (GRCh38, 1-based): chr15:48,534,188, C duplicated on the plus strand (G on the coding strand, the reverse complement: FBN1 is on the minus strand); the first of 2 consecutive C bases (chr15:48,534,188-48,534,189); duplicating either gives the same sequence. VCF-style (leftmost placement, unchanged base first): chr15-48534187-G-GC. GRCh37 (hg19) VCF-style: chr15-48826384-G-GC.
Other names: short protein forms A252fs.
Identifiers: ClinVar variation 935317 (VCV000935317.7), dbSNP rs2043995981, ClinGen allele CA1139663905.